The following is an entry in ClinVar:

NM_001370259.2(MEN1):c.-10G>A

Gene: MEN1 (menin 1; minus strand). Cytogenetic location: 11q13.1.
Variant type: single nucleotide variant.
Coding change: c.-10G>A on transcript NM_001370259.2 (MANE Select); 10 bases upstream of the start codon, G replaced by A.
Molecular consequence: 5 prime UTR variant. On other transcripts: non-coding transcript variant (4).
Genome position (GRCh38, 1-based): chr11:64,810,119, C>T on the plus strand (G>A on the coding strand, the complement: MEN1 is on the minus strand). VCF-style: chr11-64810119-C-T. GRCh37 (hg19) VCF-style: chr11-64577591-C-T.
Other names: c.-10G>A (NM_000244.4, NM_001370251.2, NM_001370260.2 and 20 more transcripts).
Identifiers: ClinVar variation 3044715 (VCV003044715.8), dbSNP rs750849285, ClinGen allele CA059952.

ClinVar aggregate classification (germline): Conflicting classifications of pathogenicity. Review status: criteria provided, conflicting classifications (1 of 4 stars). 5 submissions from 5 submitters: Uncertain significance (1); Benign (1); Likely benign (2). 1 of the submissions does not count toward it. Last evaluated 2025-02-26.

Conditions:
Multiple endocrine neoplasia, type 1 (MEN1). Also called: MEN I; WERMER SYNDROME; Endocrine adenomatosis multiple; MEN 1; MEA I. Identifiers: Orphanet 652, MedGen C0025267, MeSH D018761, MONDO:0007540, OMIM 131100.
MEN1-related disorder. Also called: MEN1-related condition.
Hereditary cancer-predisposing syndrome. Also called: Hereditary Cancer Syndrome; Tumor predisposition; Hereditary neoplastic syndrome; Neoplastic Syndromes, Hereditary. Identifiers: Orphanet 140162, MedGen C0027672, MeSH D009386, MONDO:0015356.

Allele frequency attached by ClinVar (database versions not stated): gnomAD 0.00009; TOPMed 0.00012; ExAC 0.00027.
gnomAD v4.1: 144 of 637,586 alleles (0.023%); highest among the groups gnomAD compares: Middle Eastern, 0.14%; no homozygotes.

Submissions (5):

Molecular Diagnostics Laboratory, Catalan Institute of Oncology
Classification: Uncertain significance for Hereditary cancer-predisposing syndrome. Last evaluated: 2025-02-26. Review status: criteria provided, single submitter. Criteria: ACMG Guidelines, 2015. Collection method: clinical testing. Allele origin: germline.
Comment: The c.-10G>A variant in the MEN1 gene alters a nucleotide located in the untranslated mRNA region upstream of the ATG translational start site of the gene. It does not change the encoded amino acid sequence of the MEN1 protein. This variant is found in 13/60496 with a filter allele frequency of 0.01% in the gnomAD v2.1.1 database (European non-Finnish non-cancer data set). To our knowledge, neither relevant clinical data nor functional studies have been reported for this variant. This variant has been reported in ClinVar database (1x benign, 1x likely benign) but has not been reported in LOVD database. Based on currently available information, the variant c.-10G>A is classified as an uncertain significance variant according to ACMG guidelines.

Myriad Genetics, Inc.
Classification: Likely benign for Multiple endocrine neoplasia, type 1. Last evaluated: 2024-10-31. Review status: criteria provided, single submitter. Criteria: Myriad Autosomal Dominant, Autosomal Recessive and X-Linked Classification Criteria (2023). Collection method: clinical testing. Allele origin: unknown.
Comment: This variant is considered likely benign. This variant has been observed at a population frequency that is significantly greater than expected given the associated disease prevalence and penetrance.

Women's Health and Genetics/Laboratory Corporation of America, LabCorp
Classification: Benign. Last evaluated: 2024-03-19. Review status: criteria provided, single submitter. Criteria: LabCorp Variant Classification Summary - May 2015. Collection method: clinical testing. Allele origin: germline.
Comment: Variant summary: MEN1 c.-10G>A alters a non-conserved nucleotide located in the untranslated mRNA region upstream of the initiation codon. The variant allele was found at a frequency of 0.00023 in 637586 control chromosomes. The observed variant frequency is approximately 11 fold of the estimated maximal expected allele frequency for a pathogenic variant in MEN1 causing Multiple Endocrine Neoplasia Type 1 phenotype (2.1e-05), strongly suggesting that the variant is benign. To our knowledge, no occurrence of c.-10G>A in individuals affected with Multiple Endocrine Neoplasia Type 1 and no experimental evidence demonstrating its impact on protein function have been reported. ClinVar contains an entry for this variant (Variation ID: 3044715). Based on the evidence outlined above, the variant was classified as benign.

Color Diagnostics, LLC DBA Color Health
Classification: Likely benign for Multiple endocrine neoplasia, type 1. Last evaluated: 2022-01-29. Review status: criteria provided, single submitter. Criteria: ACMG Guidelines, 2015. Collection method: clinical testing. Allele origin: germline.

PreventionGenetics, part of Exact Sciences
Classification: Likely benign for MEN1-related condition. Last evaluated: 2024-01-10. Review status: no assertion criteria provided. Collection method: clinical testing. Allele origin: germline. Not counted in ClinVar's aggregate classification.
Comment: This variant is classified as likely benign based on ACMG/AMP sequence variant interpretation guidelines (Richards et al. 2015 PMID: 25741868, with internal and published modifications).

Literature cited by the submitters: PubMed 30339208 (cited by Women's Health and Genetics/Laboratory Corporation of America, LabCorp).